The following is an entry in ClinVar:

ClinVar aggregate classification (germline): Uncertain significance (1 of 4 stars; one submission).

Conditions:
Hyperaldosteronism, familial, type IV (HALD4). Also called: FH IV; ALDOSTERONISM, PRIMARY, AND HYPERTENSION. Identifiers: Orphanet 642671, MedGen C4310756, MONDO:0014875, OMIM 617027.
Idiopathic generalized epilepsy. Also called: EIG; Generalised epilepsy. Identifiers: MedGen C0270850, MONDO:0005579, OMIM 600669.

gnomAD v4.1: 1 of 1,605,052 alleles (0.000062%); no homozygotes.

Submission:

Labcorp Genetics (formerly Invitae), Labcorp
Classification: Uncertain significance for Idiopathic generalized epilepsy; Hyperaldosteronism, familial, type IV. Last evaluated: 2025-05-07. Review status: criteria provided, single submitter. Criteria: Invitae Variant Classification Sherloc (09022015). Collection method: clinical testing. Allele origin: germline.
Comment: This sequence change replaces serine, which is neutral and polar, with asparagine, which is neutral and polar, at codon 1792 of the CACNA1H protein (p.Ser1792Asn). This variant is not present in population databases (gnomAD no frequency). This variant has not been reported in the literature in individuals affected with CACNA1H-related conditions. Invitae Evidence Modeling of protein sequence and biophysical properties (such as structural, functional, and spatial information, amino acid conservation, physicochemical variation, residue mobility, and thermodynamic stability) indicates that this missense variant is not expected to disrupt CACNA1H protein function with a negative predictive value of 80%. In summary, the available evidence is currently insufficient to determine the role of this variant in disease. Therefore, it has been classified as a Variant of Uncertain Significance.

NM_021098.3(CACNA1H):c.5375G>A (p.Ser1792Asn)

Gene: CACNA1H (calcium voltage-gated channel subunit alpha1 H; plus strand). Cytogenetic location: 16p13.3.
Variant type: single nucleotide variant.
Coding change: c.5375G>A on transcript NM_021098.3 (MANE Select); coding-DNA position 5375, G replaced by A.
Protein change: p.Ser1792Asn; replaces serine 1792 with asparagine.
Molecular consequence: missense variant.
Genome position (GRCh38, 1-based): chr16:1,217,970, G>A. VCF-style: chr16-1217970-G-A. GRCh37 (hg19) VCF-style: chr16-1267970-G-A.
Other names: c.5357G>A, p.Ser1786Asn (NM_001005407.2); short protein forms S1786N, S1792N.
Identifiers: ClinVar variation 4790973 (VCV004790973.1).
Genomic context (GRCh38, chr16:1,217,970, plus strand): 5'-TCCCCGCAGAGTGCAGTGAAGACAACCCCTGCGAGGGCCTGAGCAGGCACGCCACCTTCA[G>A]CAACTTCGGCATGGCCTTCCTCACGCTGTTCCGCGTGTCCACGGGGGACAACTGGAACGG-3'
Protein context (NP_066921.2, residues 1782-1802): CEGLSRHATF[Ser1792Asn]NFGMAFLTLF